The following is an entry in ClinVar:

NM_001384140.1(PCDH15):c.428A>G (p.Asn143Ser)

Gene: PCDH15 (protocadherin related 15; minus strand). Cytogenetic location: 10q21.1.
Variant type: single nucleotide variant.
Coding change: c.428A>G on transcript NM_001384140.1 (MANE Select); coding-DNA position 428, A replaced by G.
Protein change: p.Asn143Ser; replaces asparagine 143 with serine.
Molecular consequence: missense variant.
Genome position (GRCh38, 1-based): chr10:54,369,166, T>C on the plus strand (A>G on the coding strand, the complement: PCDH15 is on the minus strand). VCF-style: chr10-54369166-T-C. GRCh37 (hg19) VCF-style: chr10-56128926-T-C.
Other names: c.443A>G, p.Asn148Ser (NM_001142763.2, NM_001142769.4, NM_001142771.2); c.428A>G, p.Asn143Ser (NM_001142764.2, NM_001142765.2, NM_001142766.2 and 8 more transcripts); c.362A>G, p.Asn121Ser (NM_001142768.2, NM_001142773.2, NM_001354404.2); short protein forms N121S, N143S, N148S.
Identifiers: ClinVar variation 2110429 (VCV002110429.4), dbSNP rs2547832767, ClinGen allele CA376542162.

ClinVar aggregate classification (germline): Uncertain significance (1 of 4 stars; one submission).

Submission:

Labcorp Genetics (formerly Invitae), Labcorp
Classification: Uncertain significance. Last evaluated: 2022-10-04. Review status: criteria provided, single submitter. Criteria: Invitae Variant Classification Sherloc (09022015). Collection method: clinical testing. Allele origin: germline.
Comment: This sequence change replaces asparagine, which is neutral and polar, with serine, which is neutral and polar, at codon 143 of the PCDH15 protein (p.Asn143Ser). In summary, the available evidence is currently insufficient to determine the role of this variant in disease. Therefore, it has been classified as a Variant of Uncertain Significance. Advanced modeling of protein sequence and biophysical properties (such as structural, functional, and spatial information, amino acid conservation, physicochemical variation, residue mobility, and thermodynamic stability) has been performed at Invitae for this missense variant, however the output from this modeling did not meet the statistical confidence thresholds required to predict the impact of this variant on PCDH15 protein function. This variant has not been reported in the literature in individuals affected with PCDH15-related conditions. This variant is not present in population databases (gnomAD no frequency).